The following is an entry in ClinVar:

ClinVar aggregate classification (germline): Conflicting classifications of pathogenicity. Review status: criteria provided, conflicting classifications (1 of 4 stars). 2 submissions from 2 submitters: Uncertain significance (1); Likely benign (1). Last evaluated 2025-02-16.

Allele frequency attached by ClinVar (database versions not stated): gnomAD 0.00003; ESP Exome Variant Server 0.00008.

Submissions (2):

Laboratory of Genetics, Children's Clinical University Hospital Latvia
Classification: Likely benign. Last evaluated: 2025-02-16. Review status: criteria provided, single submitter. Criteria: ACMG Guidelines, 2015. Collection method: clinical testing. Allele origin: germline. Affected: yes.

Labcorp Genetics (formerly Invitae), Labcorp
Classification: Uncertain significance. Last evaluated: 2022-10-07. Review status: criteria provided, single submitter. Criteria: Invitae Variant Classification Sherloc (09022015). Collection method: clinical testing. Allele origin: germline.
Comment: This sequence change falls in intron 5 of the TRMU gene. It does not directly change the encoded amino acid sequence of the TRMU protein. It affects a nucleotide within the consensus splice site. This variant is present in population databases (rs199650819, gnomAD 0.02%). This variant has not been reported in the literature in individuals affected with TRMU-related conditions. Variants that disrupt the consensus splice site are a relatively common cause of aberrant splicing (PMID: 17576681, 9536098). Algorithms developed to predict the effect of sequence changes on RNA splicing suggest that this variant is not likely to affect RNA splicing. In summary, the available evidence is currently insufficient to determine the role of this variant in disease. Therefore, it has been classified as a Variant of Uncertain Significance.

Literature cited by the submitters: PubMed 17576681 (cited by Labcorp Genetics (formerly Invitae), Labcorp); PubMed 9536098 (cited by Labcorp Genetics (formerly Invitae), Labcorp).

NM_018006.5(TRMU):c.651+4C>T

Gene: TRMU (tRNA mitochondrial 2-thiouridylase; plus strand). Cytogenetic location: 22q13.31.
Variant type: single nucleotide variant.
Coding change: c.651+4C>T on transcript NM_018006.5 (MANE Select); 4 bases into the intron after coding-DNA position 651, C replaced by T.
Molecular consequence: intron variant.
Genome position (GRCh38, 1-based): chr22:46,350,467, C>T. VCF-style: chr22-46350467-C-T. GRCh37 (hg19) VCF-style: chr22-46746364-C-T.
Other names: c.651+4C>T (NM_001282785.2); c.309+4C>T (NM_001282782.2); c.231+4C>T (NM_001282783.2, NM_001282784.2).
Identifiers: ClinVar variation 2202556 (VCV002202556.2), dbSNP rs199650819, ClinGen allele CA10292115.
Genomic context (GRCh38, chr22:46,350,467, plus strand): 5'-TTTGTAAAGAAAATCGCTGCTGAGAATAGACTTCATCATGTGCTTCAGAAGAAAGAGGTA[C>T]GAGTGAGCAGTTGCCTTTGATTAGTGCCTGTTTCCCTTTCCCGACTGCATGGCACGGAGC-3'